The following is an entry in ClinVar:

ClinVar aggregate classification (germline): Likely benign (1 of 4 stars; one submission).

Submission:

CeGaT Center for Human Genetics Tuebingen
Classification: Likely benign. Last evaluated: 2026-06-01. Review status: criteria provided, single submitter. Criteria: CeGaT Center For Human Genetics Tuebingen Variant Classification Criteria Version 2. Collection method: clinical testing. Allele origin: germline. Affected: yes. Observed: 1 variant allele.
Comment: ADAMTS4: PM2:Supporting, BP4, BP7

NM_005099.6(ADAMTS4):c.420A>G (p.Ala140=)

Genes: ADAMTS4 (ADAM metallopeptidase with thrombospondin type 1 motif 4; minus strand), NDUFS2 (NADH:ubiquinone oxidoreductase core subunit S2; plus strand). Cytogenetic location: 1q23.3.
Variant type: single nucleotide variant.
Coding change: c.420A>G on transcript NM_005099.6 (MANE Select); coding-DNA position 420, A replaced by G.
Protein change: p.Ala140=; no amino-acid change (alanine 140 retained).
Molecular consequence: synonymous variant. On other transcripts: intron variant (2).
Genome position (GRCh38, 1-based): chr1:161,198,208, T>C on the plus strand (A>G on the coding strand, the complement: ADAMTS4 is on the minus strand). VCF-style: chr1-161198208-T-C. GRCh37 (hg19) VCF-style: chr1-161167998-T-C.
Other names: c.420A>G, p.Ala140= (NM_001320336.3); c.-240+721T>C (NM_001377300.1, NM_001377298.1).
Identifiers: ClinVar variation 4875438 (VCV004875438.2).